The following is an entry in ClinVar:

ClinVar aggregate classification (germline): Uncertain significance (1 of 4 stars; one submission).

Submission:

Labcorp Genetics (formerly Invitae), Labcorp
Classification: Uncertain significance. Last evaluated: 2025-11-19. Review status: criteria provided, single submitter. Criteria: Invitae Variant Classification Sherloc (09022015). Collection method: clinical testing. Allele origin: germline.
Comment: This sequence change creates a premature translational stop signal (p.Met55Trpfs*7) in the RNF43 gene. It is expected to result in an absent or disrupted protein product. However, the current clinical and genetic evidence is not sufficient to establish whether loss-of-function variants in RNF43 cause disease. This variant is not present in population databases (gnomAD no frequency). This variant has not been reported in the literature in individuals affected with RNF43-related conditions. In summary, the available evidence is currently insufficient to determine the role of this variant in disease. Therefore, it has been classified as a Variant of Uncertain Significance.

NM_017763.6(RNF43):c.163del (p.Met55fs)

Gene: RNF43 (ring finger protein 43; minus strand). Cytogenetic location: 17q22.
Variant type: Deletion.
Coding change: c.163del on transcript NM_017763.6 (MANE Select); coding-DNA position 163, one base deleted (A; older notation c.163delA).
Protein change: p.Met55fs; shifts the reading frame from methionine 55.
Molecular consequence: frameshift variant. On other transcripts: intron variant (1).
Genome position (GRCh38, 1-based): chr17:58,415,415, T deleted on the plus strand (A on the coding strand, the reverse complement: RNF43 is on the minus strand); the first of 4 consecutive T bases (chr17:58,415,415-58,415,418); deleting any one gives the same sequence. VCF-style (leftmost placement, unchanged base first): chr17-58415414-AT-A. GRCh37 (hg19) VCF-style: chr17-56492775-AT-A.
Other names: c.163del, p.Met55fs (NM_001305544.3, NM_001438820.1, NM_001438821.1 and 1 more transcripts); c.-130+1602del (NM_001437987.1); short protein forms M55fs.
Identifiers: ClinVar variation 4730904 (VCV004730904.1).